The following is an entry in ClinVar:

ClinVar aggregate classification (germline): Likely benign (0 of 4 stars; one submission).

Conditions:
BRSK2-related disorder. Also called: BRSK2-related condition; BRSK2-Related Disorders.

Allele frequency attached by ClinVar (database versions not stated): ESP Exome Variant Server 0.00008; gnomAD exomes 0.00020; gnomAD 0.00025; TOPMed 0.00044; 1000 Genomes Project 30x 0.00062; ExAC 0.00066; 1000 Genomes Project 0.00100.
gnomAD v4.1: 363 of 1,600,326 alleles (0.023%); highest among the groups gnomAD compares: East Asian, 0.62%; 2 homozygotes.

Submission:

PreventionGenetics, part of Exact Sciences
Classification: Likely benign for BRSK2-related condition. Last evaluated: 2019-03-11. Review status: no assertion criteria provided. Collection method: clinical testing. Allele origin: germline.
Comment: This variant is classified as likely benign based on ACMG/AMP sequence variant interpretation guidelines (Richards et al. 2015 PMID: 25741868, with internal and published modifications).

NM_001256627.2(BRSK2):c.1740A>G (p.Pro580=)

Gene: BRSK2 (BR serine/threonine kinase 2; plus strand). Cytogenetic location: 11p15.5.
Variant type: single nucleotide variant.
Coding change: c.1740A>G on transcript NM_001256627.2 (MANE Select); coding-DNA position 1740, A replaced by G.
Protein change: p.Pro580=; no amino-acid change (proline 580 retained).
Molecular consequence: synonymous variant. On other transcripts: non-coding transcript variant (1).
Genome position (GRCh38, 1-based): chr11:1,456,419, A>G. VCF-style: chr11-1456419-A-G. GRCh37 (hg19) VCF-style: chr11-1477649-A-G.
Other names: c.1740A>G, p.Pro580= (NM_001256629.2, NM_003957.4); c.1878A>G, p.Pro626= (NM_001256630.1); c.1560A>G, p.Pro520= (NM_001282218.2).
Identifiers: ClinVar variation 3039287 (VCV003039287.2), dbSNP rs202041290, ClinGen allele CA5811204.